The following is an entry in ClinVar:

NM_004006.3(DMD):c.6167A>C (p.His2056Pro)

Gene: DMD (dystrophin; minus strand). Cytogenetic location: Xp21.1.
Variant type: single nucleotide variant.
Coding change: c.6167A>C on transcript NM_004006.3 (MANE Select); coding-DNA position 6167, A replaced by C.
Protein change: p.His2056Pro; replaces histidine 2056 with proline.
Molecular consequence: missense variant.
Genome position (GRCh38, 1-based): chrX:32,287,652, T>G on the plus strand (A>C on the coding strand, the complement: DMD is on the minus strand). VCF-style: chrX-32287652-T-G. GRCh37 (hg19) VCF-style: chrX-32305769-T-G.
Other names: c.6143A>C, p.His2048Pro (NM_000109.4); c.6155A>C, p.His2052Pro (NM_004009.3); c.5798A>C, p.His1933Pro (NM_004010.3); c.2144A>C, p.His715Pro (NM_004011.4); c.2135A>C, p.His712Pro (NM_004012.4); short protein forms H712P, H1933P, H2052P, H2048P, H2056P, H715P.
Identifiers: ClinVar variation 1985026 (VCV001985026.4), dbSNP rs1223831132, ClinGen allele CA412666335.

ClinVar aggregate classification (germline): Uncertain significance (1 of 4 stars; one submission).

Conditions:
Duchenne muscular dystrophy (DMD). Also called: MUSCULAR DYSTROPHY, PSEUDOHYPERTROPHIC PROGRESSIVE, DUCHENNE TYPE; Duchenne Muscular Dystrophy (DMD). Identifiers: Orphanet 98896, MedGen C0013264, MONDO:0010679, OMIM 310200.

Allele frequency attached by ClinVar (database versions not stated): gnomAD exomes below 0.00001; TOPMed below 0.00001.
gnomAD v4.1: 3 of 1,210,630 alleles (0.00025%); highest among the groups gnomAD compares: Admixed American, 0.0044%; no homozygotes.

Submission:

Labcorp Genetics (formerly Invitae), Labcorp
Classification: Uncertain significance for Duchenne muscular dystrophy. Last evaluated: 2022-06-14. Review status: criteria provided, single submitter. Criteria: Invitae Variant Classification Sherloc (09022015). Collection method: clinical testing. Allele origin: germline.
Comment: This sequence change replaces histidine, which is basic and polar, with proline, which is neutral and non-polar, at codon 2056 of the DMD protein (p.His2056Pro). This variant is present in population databases (no rsID available, gnomAD 0.008%). This variant has not been reported in the literature in individuals affected with DMD-related conditions. Algorithms developed to predict the effect of missense changes on protein structure and function are either unavailable or do not agree on the potential impact of this missense change (SIFT: "Deleterious"; PolyPhen-2: "Benign"; Align-GVGD: "Class C0"). In summary, the available evidence is currently insufficient to determine the role of this variant in disease. Therefore, it has been classified as a Variant of Uncertain Significance.